The following is an entry in ClinVar:

ClinVar aggregate classification (germline): Uncertain significance (1 of 4 stars; one submission).

gnomAD v4.1: 18 of 1,614,022 alleles (0.0011%); highest among the groups gnomAD compares: Non-Finnish European, 0.0015%; no homozygotes.

Submission:

Labcorp Genetics (formerly Invitae), Labcorp
Classification: Uncertain significance. Last evaluated: 2024-03-28. Review status: criteria provided, single submitter. Criteria: Invitae Variant Classification Sherloc (09022015). Collection method: clinical testing. Allele origin: germline.
Comment: This sequence change replaces leucine, which is neutral and non-polar, with valine, which is neutral and non-polar, at codon 730 of the CSF2RB protein (p.Leu730Val). This variant is present in population databases (no rsID available, gnomAD 0.005%). This variant has not been reported in the literature in individuals affected with CSF2RB-related conditions. ClinVar contains an entry for this variant (Variation ID: 1472159). Advanced modeling of protein sequence and biophysical properties (such as structural, functional, and spatial information, amino acid conservation, physicochemical variation, residue mobility, and thermodynamic stability) performed at Invitae indicates that this missense variant is not expected to disrupt CSF2RB protein function with a negative predictive value of 80%. In summary, the available evidence is currently insufficient to determine the role of this variant in disease. Therefore, it has been classified as a Variant of Uncertain Significance.

NM_000395.3(CSF2RB):c.2188C>G (p.Leu730Val)

Gene: CSF2RB (colony stimulating factor 2 receptor subunit beta; plus strand). Cytogenetic location: 22q12.3.
Variant type: single nucleotide variant.
Coding change: c.2188C>G on transcript NM_000395.3 (MANE Select); coding-DNA position 2188, C replaced by G.
Protein change: p.Leu730Val; replaces leucine 730 with valine.
Molecular consequence: missense variant.
Genome position (GRCh38, 1-based): chr22:36,937,996, C>G. VCF-style: chr22-36937996-C-G. GRCh37 (hg19) VCF-style: chr22-37334038-C-G.
Other names: short protein forms L730V.
Identifiers: ClinVar variation 1472159 (VCV001472159.8), dbSNP rs138141616, ClinGen allele CA411411005.
Genomic context (GRCh38, chr22:36,937,996, plus strand): 5'-GGTTATGTCTCCTCTGCAGACCTGGTATTCACCCCAAACTCAGGGGCCTCGTCTGTCTCC[C>G]TAGTTCCCTCTCTGGGCCTCCCCTCAGACCAGACCCCCAGCTTATGTCCTGGGCTGGCCA-3'
Protein context (NP_000386.1, residues 720-740): TPNSGASSVS[Leu730Val]VPSLGLPSDQ